The following is an entry in ClinVar:

ClinVar aggregate classification (germline): Uncertain significance (1 of 4 stars; one submission).

Conditions:
Fanconi anemia (FA). Also called: Fanconi's anemia. Identifiers: Orphanet 84, MedGen C0015625, MeSH D005199, MONDO:0019391.

Allele frequency attached by ClinVar (database versions not stated): TOPMed below 0.00001; gnomAD 0.00001.
gnomAD v4.1: 1 of 1,614,002 alleles (0.000062%); highest among the groups gnomAD compares: Non-Finnish European, 0.000085%; no homozygotes.

Submission:

Labcorp Genetics (formerly Invitae), Labcorp
Classification: Uncertain significance for Fanconi anemia. Last evaluated: 2021-10-17. Review status: criteria provided, single submitter. Criteria: Invitae Variant Classification Sherloc (09022015). Collection method: clinical testing. Allele origin: germline.
Comment: In summary, the available evidence is currently insufficient to determine the role of this variant in disease. Therefore, it has been classified as a Variant of Uncertain Significance. Algorithms developed to predict the effect of missense changes on protein structure and function are either unavailable or do not agree on the potential impact of this missense change (SIFT: "Deleterious"; PolyPhen-2: "Probably Damaging"; Align-GVGD: "Class C0"). This variant has not been reported in the literature in individuals affected with SLX4-related conditions. This variant is not present in population databases (ExAC no frequency). This sequence change replaces proline with leucine at codon 651 of the SLX4 protein (p.Pro651Leu). The proline residue is moderately conserved and there is a moderate physicochemical difference between proline and leucine.

NM_032444.4(SLX4):c.1952C>T (p.Pro651Leu)

Gene: SLX4 (SLX4 structure-specific endonuclease subunit; minus strand). Cytogenetic location: 16p13.3.
Variant type: single nucleotide variant.
Coding change: c.1952C>T on transcript NM_032444.4 (MANE Select); coding-DNA position 1952, C replaced by T.
Protein change: p.Pro651Leu; replaces proline 651 with leucine.
Molecular consequence: missense variant.
Genome position (GRCh38, 1-based): chr16:3,595,666, G>A on the plus strand (C>T on the coding strand, the complement: SLX4 is on the minus strand). VCF-style: chr16-3595666-G-A. GRCh37 (hg19) VCF-style: chr16-3645667-G-A.
Other names: short protein forms P651L.
Identifiers: ClinVar variation 1515654 (VCV001515654.6), dbSNP rs1490630727, ClinGen allele CA394526710.